The following is an entry in ClinVar:

NM_022436.3(ABCG5):c.1195T>C (p.Phe399Leu)

Genes: ABCG5 (ATP binding cassette subfamily G member 5; minus strand), DYNC2LI1 (dynein cytoplasmic 2 light intermediate chain 1; plus strand). Cytogenetic location: 2p21.
Variant type: single nucleotide variant.
Coding change: c.1195T>C on transcript NM_022436.3 (MANE Select); coding-DNA position 1195, T replaced by C.
Protein change: p.Phe399Leu; replaces phenylalanine 399 with leucine.
Molecular consequence: missense variant. On other transcripts: intron variant (2).
Genome position (GRCh38, 1-based): chr2:43,824,042, A>G on the plus strand (T>C on the coding strand, the complement: ABCG5 is on the minus strand). VCF-style: chr2-43824042-A-G. GRCh37 (hg19) VCF-style: chr2-44051181-A-G.
Other names: c.*16-3344A>G (NM_001348913.2, NM_001348912.2); short protein forms F399L.
Identifiers: ClinVar variation 3310334 (VCV003310334.1).

ClinVar aggregate classification (germline): Uncertain significance (1 of 4 stars; one submission).

Conditions:
Cardiovascular phenotype. Identifiers: MedGen CN230736.

gnomAD v4.1: 7 of 1,614,114 alleles (0.00043%); highest among the groups gnomAD compares: East Asian, 0.013%; no homozygotes.

Submission:

Ambry Genetics
Classification: Uncertain significance for Cardiovascular phenotype. Last evaluated: 2024-04-21. Review status: criteria provided, single submitter. Criteria: Ambry Variant Classification Scheme 2023. Collection method: clinical testing. Allele origin: germline.
Comment: The p.F399L variant (also known as c.1195T>C), located in coding exon 9 of the ABCG5 gene, results from a T to C substitution at nucleotide position 1195. The phenylalanine at codon 399 is replaced by leucine, an amino acid with highly similar properties. This amino acid position is conserved. In addition, the in silico prediction for this alteration is inconclusive. Based on the available evidence, the clinical significance of this variant remains unclear.